The following is an entry in ClinVar:

NM_000814.6(GABRB3):c.329A>G (p.Asn110Ser)

Gene: GABRB3 (gamma-aminobutyric acid type A receptor subunit beta3; minus strand). Cytogenetic location: 15q12.
Variant type: single nucleotide variant.
Coding change: c.329A>G on transcript NM_000814.6 (MANE Select); coding-DNA position 329, A replaced by G.
Protein change: p.Asn110Ser; replaces asparagine 110 with serine.
Molecular consequence: missense variant. On other transcripts: non-coding transcript variant (1).
Genome position (GRCh38, 1-based): chr15:26,621,446, T>C on the plus strand (A>G on the coding strand, the complement: GABRB3 is on the minus strand). VCF-style: chr15-26621446-T-C. GRCh37 (hg19) VCF-style: chr15-26866593-T-C.
Other names: c.74A>G, p.Asn25Ser (NM_001191320.2, NM_001278631.2); c.116A>G, p.Asn39Ser (NM_001191321.3); c.329A>G, p.Asn110Ser (NM_021912.5); short protein forms N110S, N25S, N39S.
Identifiers: ClinVar variation 1198718 (VCV001198718.11), dbSNP rs751329477, ClinGen allele CA7437465.

ClinVar aggregate classification (germline): Conflicting classifications of pathogenicity. Review status: criteria provided, conflicting classifications (1 of 4 stars). 3 submissions from 3 submitters: Uncertain significance (2); Likely benign (1). Last evaluated 2024-01-07.

Conditions:
Epilepsy, childhood absence, susceptibility to, 5. Identifiers: Orphanet 64280, MedGen C2677087, MONDO:0012843, OMIM 612269.
Epilepsy, childhood absence, susceptibility to, 1. Also called: Epilepsy, childhood absence 1. Identifiers: Orphanet 64280, MedGen C1838604, MONDO:0020759, OMIM 600131.
Inborn genetic diseases. Identifiers: MedGen C0950123, MeSH D030342.

Allele frequency attached by ClinVar (database versions not stated): ExAC 0.00001; gnomAD 0.00001; gnomAD exomes 0.00001; TOPMed 0.00001.
gnomAD v4.1: 12 of 1,614,034 alleles (0.00074%); highest among the groups gnomAD compares: Non-Finnish European, 0.001%; no homozygotes.

Submissions (3):

Labcorp Genetics (formerly Invitae), Labcorp
Classification: Uncertain significance for Epilepsy, childhood absence, susceptibility to, 5; Epilepsy, childhood absence, susceptibility to, 1. Last evaluated: 2024-01-07. Review status: criteria provided, single submitter. Criteria: Invitae Variant Classification Sherloc (09022015). Collection method: clinical testing. Allele origin: germline.
Comment: This sequence change replaces asparagine, which is neutral and polar, with serine, which is neutral and polar, at codon 110 of the GABRB3 protein (p.Asn110Ser). This variant is present in population databases (rs751329477, gnomAD 0.003%). This missense change has been observed in individual(s) with clinical features of GABRB3-related conditions (Invitae). ClinVar contains an entry for this variant (Variation ID: 1198718). Advanced modeling of protein sequence and biophysical properties (such as structural, functional, and spatial information, amino acid conservation, physicochemical variation, residue mobility, and thermodynamic stability) has been performed at Invitae for this missense variant, however the output from this modeling did not meet the statistical confidence thresholds required to predict the impact of this variant on GABRB3 protein function. This variant disrupts the p.Asn110 amino acid residue in GABRB3. Other variant(s) that disrupt this residue have been determined to be pathogenic (PMID: 23934111, 26950270). This suggests that this residue is clinically significant, and that variants that disrupt this residue are likely to be disease-causing. In summary, the available evidence is currently insufficient to determine the role of this variant in disease. Therefore, it has been classified as a Variant of Uncertain Significance.

GeneDx
Classification: Likely benign. Last evaluated: 2020-04-01. Review status: criteria provided, single submitter. Criteria: GeneDx Variant Classification Process June 2021. Collection method: clinical testing. Allele origin: germline. Affected: yes.

Ambry Genetics
Classification: Uncertain significance for Inborn genetic diseases. Last evaluated: 2017-11-20. Review status: criteria provided, single submitter. Criteria: Ambry Variant Classification Scheme 2023. Collection method: clinical testing. Allele origin: germline.
Comment: The p.N110S variant (also known as c.329A>G), located in coding exon 4 of the GABRB3 gene, results from an A to G substitution at nucleotide position 329. The asparagine at codon 110 is replaced by serine, an amino acid with highly similar properties. An alternate substitution at this position, p.N110D, was detected in an individual diagnosed with epileptic encephalopathy and has been reported to impair GABAA receptor current kinetic properties (Allen et al. Nature, 2013 Sep;501:217-21; Janve VS et al. Ann. Neurol., 2016 Mar [Epub ahead of print]). This amino acid position is highly conserved in available vertebrate species. In addition, this alteration is predicted to be tolerated by in silico analysis. Since supporting evidence is limited at this time, the clinical significance of the p.N110S alteration remains unclear.

Literature cited by the submitters: PubMed 23934111 (cited by Labcorp Genetics (formerly Invitae), Labcorp and Ambry Genetics); PubMed 26950270 (cited by Labcorp Genetics (formerly Invitae), Labcorp and Ambry Genetics).